The following is an entry in ClinVar:

ClinVar aggregate classification (germline): Uncertain significance. Review status: criteria provided, multiple submitters, no conflicts (2 of 4 stars). 2 submissions from 2 submitters: Uncertain significance (2). Last evaluated 2025-09-28.

Allele frequency attached by ClinVar (database versions not stated): gnomAD exomes 0.00001; ExAC 0.00002; ESP Exome Variant Server 0.00008.
gnomAD v4.1: 9 of 1,614,110 alleles (0.00056%); highest among the groups gnomAD compares: African/African-American, 0.0013%; no homozygotes.

Submissions (2):

Ambry Genetics
Classification: Uncertain significance. Last evaluated: 2025-09-28. Review status: criteria provided, single submitter. Criteria: Ambry Variant Classification Scheme 2023. Collection method: clinical testing. Allele origin: germline.

Labcorp Genetics (formerly Invitae), Labcorp
Classification: Uncertain significance. Last evaluated: 2022-08-16. Review status: criteria provided, single submitter. Criteria: Invitae Variant Classification Sherloc (09022015). Collection method: clinical testing. Allele origin: germline.
Comment: This variant has not been reported in the literature in individuals affected with FOXI1-related conditions. This variant is present in population databases (rs377532550, gnomAD 0.002%). This sequence change replaces arginine, which is basic and polar, with histidine, which is basic and polar, at codon 213 of the FOXI1 protein (p.Arg213His). In summary, the available evidence is currently insufficient to determine the role of this variant in disease. Therefore, it has been classified as a Variant of Uncertain Significance. Algorithms developed to predict the effect of missense changes on protein structure and function are either unavailable or do not agree on the potential impact of this missense change (SIFT: "Deleterious"; PolyPhen-2: "Probably Damaging"; Align-GVGD: "Class C0"). ClinVar contains an entry for this variant (Variation ID: 1378877).

NM_012188.5(FOXI1):c.638G>A (p.Arg213His)

Gene: FOXI1 (forkhead box I1; plus strand). Cytogenetic location: 5q35.1.
Variant type: single nucleotide variant.
Coding change: c.638G>A on transcript NM_012188.5 (MANE Select); coding-DNA position 638, G replaced by A.
Protein change: p.Arg213His; replaces arginine 213 with histidine.
Molecular consequence: missense variant. On other transcripts: intron variant (1).
Genome position (GRCh38, 1-based): chr5:170,108,112, G>A. VCF-style: chr5-170108112-G-A. GRCh37 (hg19) VCF-style: chr5-169535116-G-A.
Other names: c.575-222G>A (NM_144769.4); c.638G>A (NM_012188.4); short protein forms R213H.
Identifiers: ClinVar variation 1378877 (VCV001378877.9), dbSNP rs377532550, ClinGen allele CA3555071.